The following is an entry in ClinVar:

NM_207122.2(EXT2):c.844G>A (p.Val282Ile)

Gene: EXT2 (exostosin glycosyltransferase 2; plus strand). Cytogenetic location: 11p11.2.
Variant type: single nucleotide variant.
Coding change: c.844G>A on transcript NM_207122.2 (MANE Select); coding-DNA position 844, G replaced by A.
Protein change: p.Val282Ile; replaces valine 282 with isoleucine.
Molecular consequence: missense variant.
Genome position (GRCh38, 1-based): chr11:44,124,889, G>A. VCF-style: chr11-44124889-G-A. GRCh37 (hg19) VCF-style: chr11-44146439-G-A.
Other names: c.943G>A, p.Val315Ile (NM_000401.3); c.844G>A, p.Val282Ile (NM_001178083.3, NM_001389628.1, NM_001389630.1); short protein forms V282I, V315I.
Identifiers: ClinVar variation 2038033 (VCV002038033.5), dbSNP rs200144080, ClinGen allele CA221467805.

ClinVar aggregate classification (germline): Uncertain significance. Review status: criteria provided, multiple submitters, no conflicts (2 of 4 stars). 2 submissions from 2 submitters: Uncertain significance (2). Last evaluated 2025-11-20.

Conditions:
Exostoses, multiple, type 2 (EXT2). Also called: Hereditary Multiple Osteochondromatosis, Type II; EXOSTOSES, MULTIPLE, TYPE II. Identifiers: Orphanet 321, MedGen C1851413, MONDO:0007586, OMIM 133701.
Inborn genetic diseases. Identifiers: MedGen C0950123, MeSH D030342.

Allele frequency attached by ClinVar (database versions not stated): gnomAD exomes below 0.00001; TOPMed 0.00001.
gnomAD v4.1: 7 of 1,614,126 alleles (0.00043%); highest among the groups gnomAD compares: Middle Eastern, 0.033%; no homozygotes.

Submissions (2):

Ambry Genetics
Classification: Uncertain significance for Inborn genetic diseases. Last evaluated: 2025-11-20. Review status: criteria provided, single submitter. Criteria: Ambry Variant Classification Scheme 2023. Collection method: clinical testing. Allele origin: germline.

Labcorp Genetics (formerly Invitae), Labcorp
Classification: Uncertain significance for Exostoses, multiple, type 2. Last evaluated: 2023-04-11. Review status: criteria provided, single submitter. Criteria: Invitae Variant Classification Sherloc (09022015). Collection method: clinical testing. Allele origin: germline.
Comment: In summary, the available evidence is currently insufficient to determine the role of this variant in disease. Therefore, it has been classified as a Variant of Uncertain Significance. Advanced modeling of protein sequence and biophysical properties (such as structural, functional, and spatial information, amino acid conservation, physicochemical variation, residue mobility, and thermodynamic stability) performed at Invitae indicates that this missense variant is not expected to disrupt EXT2 protein function. ClinVar contains an entry for this variant (Variation ID: 2038033). This variant has not been reported in the literature in individuals affected with EXT2-related conditions. This variant is not present in population databases (gnomAD no frequency). This sequence change replaces valine, which is neutral and non-polar, with isoleucine, which is neutral and non-polar, at codon 282 of the EXT2 protein (p.Val282Ile).